The following is an entry in ClinVar:

ClinVar aggregate classification (germline): Uncertain significance. Review status: criteria provided, multiple submitters, no conflicts (2 of 4 stars). 2 submissions from 2 submitters: Uncertain significance (2). Last evaluated 2023-09-22.

Conditions:
Inborn genetic diseases. Identifiers: MedGen C0950123, MeSH D030342.
Ichthyosis linearis circumflexa. Identifiers: MedGen C0265962, MONDO:0043106, HP:0025810.

Allele frequency attached by ClinVar (database versions not stated): ExAC 0.00002; gnomAD exomes 0.00003; TOPMed 0.00004; gnomAD 0.00006; 1000 Genomes Project 30x 0.00016; 1000 Genomes Project 0.00020.
gnomAD v4.1: 50 of 1,613,660 alleles (0.0031%); highest among the groups gnomAD compares: Admixed American, 0.0067%; no homozygotes.

Submissions (2):

Ambry Genetics
Classification: Uncertain significance for Inborn genetic diseases. Last evaluated: 2023-09-22. Review status: criteria provided, single submitter. Criteria: Ambry Variant Classification Scheme 2023. Collection method: clinical testing. Allele origin: germline.

Labcorp Genetics (formerly Invitae), Labcorp
Classification: Uncertain significance for Ichthyosis linearis circumflexa. Last evaluated: 2023-04-28. Review status: criteria provided, single submitter. Criteria: Invitae Variant Classification Sherloc (09022015). Collection method: clinical testing. Allele origin: germline.
Comment: In summary, the available evidence is currently insufficient to determine the role of this variant in disease. Therefore, it has been classified as a Variant of Uncertain Significance. Advanced modeling of protein sequence and biophysical properties (such as structural, functional, and spatial information, amino acid conservation, physicochemical variation, residue mobility, and thermodynamic stability) has been performed at Invitae for this missense variant, however the output from this modeling did not meet the statistical confidence thresholds required to predict the impact of this variant on SPINK5 protein function. ClinVar contains an entry for this variant (Variation ID: 2051295). This variant has not been reported in the literature in individuals affected with SPINK5-related conditions. This variant is present in population databases (rs550961797, gnomAD 0.01%). This sequence change replaces arginine, which is basic and polar, with cysteine, which is neutral and slightly polar, at codon 441 of the SPINK5 protein (p.Arg441Cys).

NM_006846.4(SPINK5):c.1321C>T (p.Arg441Cys)

Gene: SPINK5 (serine peptidase inhibitor Kazal type 5; plus strand). Cytogenetic location: 5q32.
Variant type: single nucleotide variant.
Coding change: c.1321C>T on transcript NM_006846.4 (MANE Select); coding-DNA position 1321, C replaced by T.
Protein change: p.Arg441Cys; replaces arginine 441 with cysteine.
Molecular consequence: missense variant.
Genome position (GRCh38, 1-based): chr5:148,101,799, C>T. VCF-style: chr5-148101799-C-T. GRCh37 (hg19) VCF-style: chr5-147481362-C-T.
Other names: c.1321C>T, p.Arg441Cys (NM_001127698.2, NM_001127699.2); short protein forms R441C.
Identifiers: ClinVar variation 2051295 (VCV002051295.3), dbSNP rs550961797, ClinGen allele CA3495560.